The following is an entry in ClinVar:

NM_001252102.2(KIF21B):c.368G>T (p.Gly123Val)

Gene: KIF21B (kinesin family member 21B; minus strand). Cytogenetic location: 1q32.1.
Variant type: single nucleotide variant.
Coding change: c.368G>T on transcript NM_001252102.2 (MANE Select); coding-DNA position 368, G replaced by T.
Protein change: p.Gly123Val; replaces glycine 123 with valine.
Molecular consequence: missense variant.
Genome position (GRCh38, 1-based): chr1:201,008,848, C>A on the plus strand (G>T on the coding strand, the complement: KIF21B is on the minus strand). VCF-style: chr1-201008848-C-A. GRCh37 (hg19) VCF-style: chr1-200977976-C-A.
Other names: c.368G>T, p.Gly123Val (NM_001252100.2, NM_001252103.2, NM_017596.4); short protein forms G123V.
Identifiers: ClinVar variation 2499855 (VCV002499855.1), dbSNP rs1315405620, ClinGen allele CA344118051.

ClinVar aggregate classification (germline): Uncertain significance (1 of 4 stars; one submission).

gnomAD v4.1: 1 of 1,610,038 alleles (0.000062%); highest among the groups gnomAD compares: Non-Finnish European, 0.000085%; no homozygotes.

Submission:

GeneDx
Classification: Uncertain significance. Last evaluated: 2022-10-20. Review status: criteria provided, single submitter. Criteria: GeneDx Variant Classification Process June 2021. Collection method: clinical testing. Allele origin: germline. Affected: yes.
Comment: Not observed at significant frequency in large population cohorts (gnomAD); In silico analysis supports that this missense variant has a deleterious effect on protein structure/function; Has not been previously published as pathogenic or benign to our knowledge